The following is an entry in ClinVar:

ClinVar aggregate classification (germline): Uncertain significance (1 of 4 stars; one submission).

Submission:

Labcorp Genetics (formerly Invitae), Labcorp
Classification: Uncertain significance. Last evaluated: 2025-01-23. Review status: criteria provided, single submitter. Criteria: Invitae Variant Classification Sherloc (09022015). Collection method: clinical testing. Allele origin: germline.
Comment: This sequence change replaces serine, which is neutral and polar, with arginine, which is basic and polar, at codon 1201 of the TAOK2 protein (p.Ser1201Arg). This variant is not present in population databases (gnomAD no frequency). This variant has not been reported in the literature in individuals affected with TAOK2-related conditions. ClinVar contains an entry for this variant (Variation ID: 2853475). An algorithm developed to predict the effect of missense changes on protein structure and function outputs the following: PolyPhen-2: "Benign". The arginine amino acid residue is found in multiple mammalian species, which suggests that this missense change does not adversely affect protein function. In summary, the available evidence is currently insufficient to determine the role of this variant in disease. Therefore, it has been classified as a Variant of Uncertain Significance.

NM_016151.4(TAOK2):c.3603C>G (p.Ser1201Arg)

Gene: TAOK2 (TAO kinase 2; plus strand). Cytogenetic location: 16p11.2.
Variant type: single nucleotide variant.
Coding change: c.3603C>G on transcript NM_016151.4 (MANE Select); coding-DNA position 3603, C replaced by G.
Protein change: p.Ser1201Arg; replaces serine 1201 with arginine.
Molecular consequence: missense variant. On other transcripts: intron variant (1).
Genome position (GRCh38, 1-based): chr16:29,987,875, C>G. VCF-style: chr16-29987875-C-G. GRCh37 (hg19) VCF-style: chr16-29999196-C-G.
Other names: c.3264C>G, p.Ser1088Arg (NM_001252043.2); c.2232+1371C>G (NM_004783.4); short protein forms S1201R, S1088R.
Identifiers: ClinVar variation 2853475 (VCV002853475.3), dbSNP rs2069862494, ClinGen allele CA395502012.
Genomic context (GRCh38, chr16:29,987,875, plus strand): 5'-CAGCTGGGGCCTGCTTCGGGGTGAACGGCCCACCCGAATCCCCCGGCTACTACCACGCAG[C>G]CAGCGCCAGCTAGGGCCCCCTGCCTCCCGCCAGCCACTGCCAGGGACTCTAGCCGGGCGG-3'
Protein context (NP_057235.2, residues 1191-1211): PTRIPRLLPR[Ser1201Arg]QRQLGPPASR